The following is an entry in ClinVar:

ClinVar aggregate classification (germline): Uncertain significance (1 of 4 stars; one submission).

Conditions:
Hereditary cancer-predisposing syndrome. Also called: Neoplastic Syndromes, Hereditary; Tumor predisposition; Hereditary neoplastic syndrome; Hereditary Cancer Syndrome. Identifiers: Orphanet 140162, MedGen C0027672, MeSH D009386, MONDO:0015356.

Submission:

Ambry Genetics
Classification: Uncertain significance for Hereditary cancer-predisposing syndrome. Last evaluated: 2023-11-16. Review status: criteria provided, single submitter. Criteria: Ambry Variant Classification Scheme 2023. Collection method: clinical testing. Allele origin: germline.
Comment: The p.S2260T variant (also known as c.6779G>C), located in coding exon 15 of the APC gene, results from a G to C substitution at nucleotide position 6779. The serine at codon 2260 is replaced by threonine, an amino acid with similar properties. This amino acid position is conserved. In addition, in silico predictors for this gene do not accurately predict pathogenicity. Since supporting evidence is limited at this time, the clinical significance of this alteration remains unclear.

NM_000038.6(APC):c.6779G>C (p.Ser2260Thr)

Gene: APC (APC regulator of Wnt signaling pathway; plus strand). Cytogenetic location: 5q22.2.
Variant type: single nucleotide variant.
Coding change: c.6779G>C on transcript NM_000038.6 (MANE Select); coding-DNA position 6779, G replaced by C.
Protein change: p.Ser2260Thr; replaces serine 2260 with threonine.
Molecular consequence: missense variant. On other transcripts: non-coding transcript variant (2).
Genome position (GRCh38, 1-based): chr5:112,842,373, G>C. VCF-style: chr5-112842373-G-C. GRCh37 (hg19) VCF-style: chr5-112178070-G-C.
Other names: c.6779G>C, p.Ser2260Thr (NM_001127510.3, NM_001354895.2, NM_001407450.1); c.6725G>C, p.Ser2242Thr (NM_001127511.3); c.6833G>C, p.Ser2278Thr (NM_001354896.2, NM_001407447.1, NM_001407448.1 and 1 more transcripts); c.6809G>C, p.Ser2270Thr (NM_001354897.2); c.6704G>C, p.Ser2235Thr (NM_001354898.2); c.6695G>C, p.Ser2232Thr (NM_001354899.2); c.6656G>C, p.Ser2219Thr (NM_001354900.2); c.6602G>C, p.Ser2201Thr (NM_001354901.2, NM_001407453.1); and 11 more; short protein forms S1876T, S1977T, S2100T, S2131T, S2134T, S2159T, S2169T, S2177T.
Identifiers: ClinVar variation 3231020 (VCV003231020.1), dbSNP rs587781393, ClinGen allele CA16036137.